The following is an entry in ClinVar:

ClinVar aggregate classification (germline): Uncertain significance (1 of 4 stars; one submission).

Conditions:
Hereditary cancer-predisposing syndrome. Also called: Neoplastic Syndromes, Hereditary; Tumor predisposition; Hereditary neoplastic syndrome; Hereditary Cancer Syndrome. Identifiers: Orphanet 140162, MedGen C0027672, MeSH D009386, MONDO:0015356.

Submission:

Ambry Genetics
Classification: Uncertain significance for Hereditary cancer-predisposing syndrome. Last evaluated: 2023-11-24. Review status: criteria provided, single submitter. Criteria: Ambry Variant Classification Scheme 2023. Collection method: clinical testing. Allele origin: germline.
Comment: The p.S713P variant (also known as c.2137T>C), located in coding exon 14 of the KIT gene, results from a T to C substitution at nucleotide position 2137. The serine at codon 713 is replaced by proline, an amino acid with similar properties. This amino acid position is conserved. In addition, this alteration is predicted to be tolerated by in silico analysis. Since supporting evidence is limited at this time, the clinical significance of this alteration remains unclear.

NM_000222.3(KIT):c.2137T>C (p.Ser713Pro)

Gene: KIT (KIT proto-oncogene, receptor tyrosine kinase; plus strand). Cytogenetic location: 4q12.
Variant type: single nucleotide variant.
Coding change: c.2137T>C on transcript NM_000222.3 (MANE Select); coding-DNA position 2137, T replaced by C.
Protein change: p.Ser713Pro; replaces serine 713 with proline.
Molecular consequence: missense variant.
Genome position (GRCh38, 1-based): chr4:54,729,481, T>C. VCF-style: chr4-54729481-T-C. GRCh37 (hg19) VCF-style: chr4-55595647-T-C.
Other names: c.2125T>C, p.Ser709Pro (NM_001093772.2, NM_001385286.1); c.2140T>C, p.Ser714Pro (NM_001385284.1, NM_001385290.1); c.2137T>C, p.Ser713Pro (NM_001385285.1); c.2128T>C, p.Ser710Pro (NM_001385288.1, NM_001385292.1); short protein forms S709P, S710P, S713P, S714P.
Identifiers: ClinVar variation 3230665 (VCV003230665.1), dbSNP rs2109787172, ClinGen allele CA356909906.
Genomic context (GRCh38, chr4:54,729,481, plus strand): 5'-AAGCAGGAAGATCATGCAGAAGCTGCACTTTATAAGAATCTTCTGCATTCAAAGGAGTCT[T>C]CCTGGTAAGACTGATTTACATAAATAGTTAGCTGTTGACAGGCAGTTCATGGGGTCATAA-3'
Protein context (NP_000213.1, residues 703-723): YKNLLHSKES[Ser713Pro]CSDSTNEYMD